The following is an entry in ClinVar:

ClinVar aggregate classification (germline): Likely benign (1 of 4 stars; one submission).

Conditions:
SLC34A1-related disorder. Also called: SLC34A1-related disorders; SLC34A1-related condition.

gnomAD v4.1: 2 of 1,537,142 alleles (0.00013%); highest among the groups gnomAD compares: African/African-American, 0.0027%; no homozygotes.

Submission:

PreventionGenetics, part of Exact Sciences
Classification: Likely benign for SLC34A1-related condition. Last evaluated: 2024-11-14. Review status: criteria provided, single submitter. Criteria: ACMG Guidelines, 2015. Collection method: clinical testing. Allele origin: germline.
Comment: This variant is classified as likely benign based on ACMG/AMP sequence variant interpretation guidelines (Richards et al. 2015 PMID: 25741868, with internal and published modifications).

NM_003052.5(SLC34A1):c.936+1329C>T

Genes: SLC34A1 (solute carrier family 34 member 1; plus strand), LOC110121284 (VISTA enhancer hs2229; plus strand). Cytogenetic location: 5q35.3.
Variant type: single nucleotide variant.
Coding change: c.936+1329C>T on transcript NM_003052.5 (MANE Select); 1329 bases into the intron after coding-DNA position 936, C replaced by T.
Molecular consequence: intron variant. On other transcripts: synonymous variant (1).
Genome position (GRCh38, 1-based): chr5:177,389,701, C>T. VCF-style: chr5-177389701-C-T. GRCh37 (hg19) VCF-style: chr5-176816702-C-T.
Other names: c.999C>T, p.Asp333= (NM_001167579.2).
Identifiers: ClinVar variation 4983025 (VCV004983025.1).